The following is an entry in ClinVar:

NM_000257.4(MYH7):c.1649C>A (p.Ala550Asp)

Gene: MYH7 (myosin heavy chain 7; minus strand). Cytogenetic location: 14q11.2.
Variant type: single nucleotide variant.
Coding change: c.1649C>A on transcript NM_000257.4 (MANE Select); coding-DNA position 1649, C replaced by A.
Protein change: p.Ala550Asp; replaces alanine 550 with aspartic acid.
Molecular consequence: missense variant.
Genome position (GRCh38, 1-based): chr14:23,427,824, G>T on the plus strand (C>A on the coding strand, the complement: MYH7 is on the minus strand). VCF-style: chr14-23427824-G-T. GRCh37 (hg19) VCF-style: chr14-23897033-G-T.
Other names: short protein forms A550D.
Identifiers: ClinVar variation 924609 (VCV000924609.7), dbSNP rs1188606962, ClinGen allele CA389050115.

ClinVar aggregate classification (germline): Uncertain significance. Review status: criteria provided, multiple submitters, no conflicts (2 of 4 stars). 2 submissions from 2 submitters: Uncertain significance (2). Last evaluated 2023-12-04.

Conditions:
Cardiomyopathy (CMYO). Also called: Cardiomyopathies. Identifiers: Orphanet 167848, MedGen C0878544, MONDO:0004994, HP:0001638. Inheritance: Various modes of inheritance.
Cardiovascular phenotype. Identifiers: MedGen CN230736.

Submissions (2):

Color Diagnostics, LLC DBA Color Health
Classification: Uncertain significance for Cardiomyopathy. Last evaluated: 2023-12-04. Review status: criteria provided, single submitter. Criteria: ACMG Guidelines, 2015. Collection method: clinical testing. Allele origin: germline.
Comment: Variant of Uncertain Significance due to insufficient evidence: This missense variant replaces alanine with aspartic acid at codon 550 of the MYH7 protein. Computational prediction tools and conservation analyses are inconclusive regarding the impact of this variant on the protein function. Computational splicing tools suggest that this variant may not impact RNA splicing. To our knowledge, functional assays have not been performed for this variant nor has this variant been reported in individuals affected with cardiovascular disorders in the literature. This variant is rare in the general population and has been identified in 0/277264 chromosomes by the Genome Aggregation Database (gnomAD). Available evidence is insufficient to determine the role of this variant in disease conclusively.

Ambry Genetics
Classification: Uncertain significance for Cardiovascular phenotype. Last evaluated: 2020-09-25. Review status: criteria provided, single submitter. Criteria: Ambry Variant Classification Scheme 2023. Collection method: clinical testing. Allele origin: germline.
Comment: The p.A550D variant (also known as c.1649C>A), located in coding exon 14 of the MYH7 gene, results from a C to A substitution at nucleotide position 1649. The alanine at codon 550 is replaced by aspartic acid, an amino acid with dissimilar properties, and is located in the head domain. This amino acid position is well conserved in available vertebrate species. In addition, the in silico prediction for this alteration is inconclusive. Since supporting evidence is limited at this time, the clinical significance of this alteration remains unclear.